The following is an entry in ClinVar:

ClinVar aggregate classification (germline): Likely benign (0 of 4 stars; one submission).

Conditions:
ANKK1-related disorder. Also called: ANKK1-related condition.

Allele frequency attached by ClinVar (database versions not stated): TOPMed 0.00004; ESP Exome Variant Server 0.00008; gnomAD 0.00011; gnomAD exomes 0.00015; ExAC 0.00056; 1000 Genomes Project 0.00100; 1000 Genomes Project 30x 0.00125.

Submission:

PreventionGenetics, part of Exact Sciences
Classification: Likely benign for ANKK1-related condition. Last evaluated: 2019-05-10. Review status: no assertion criteria provided. Collection method: clinical testing. Allele origin: germline.
Comment: This variant is classified as likely benign based on ACMG/AMP sequence variant interpretation guidelines (Richards et al. 2015 PMID: 25741868, with internal and published modifications).

NM_178510.2(ANKK1):c.1188C>T (p.Tyr396=)

Gene: ANKK1 (ankyrin repeat and kinase domain containing 1; plus strand). Cytogenetic location: 11q23.2.
Variant type: single nucleotide variant.
Coding change: c.1188C>T on transcript NM_178510.2 (MANE Select); coding-DNA position 1188, C replaced by T.
Protein change: p.Tyr396=; no amino-acid change (tyrosine 396 retained).
Molecular consequence: synonymous variant.
Genome position (GRCh38, 1-based): chr11:113,399,157, C>T. VCF-style: chr11-113399157-C-T. GRCh37 (hg19) VCF-style: chr11-113269879-C-T.
Identifiers: ClinVar variation 3041490 (VCV003041490.2), dbSNP rs373311747, ClinGen allele CA6280889.